The following is an entry in ClinVar:

NC_000007.14:g.(?_55019278)_(55151372_?)dup

Gene: EGFR (epidermal growth factor receptor; plus strand). Cytogenetic location: 7p11.2.
Variant type: Duplication.
Identifiers: ClinVar variation 830740 (VCV000830740.1).

ClinVar aggregate classification (germline): Uncertain significance (1 of 4 stars; one submission).

Conditions:
EGFR-related lung cancer (EGFR). Identifiers: MedGen CN130014.

Submission:

Labcorp Genetics (formerly Invitae), Labcorp
Classification: Uncertain significance for EGFR-related lung cancer. Last evaluated: 2019-10-10. Review status: criteria provided, single submitter. Criteria: Invitae Variant Classification Sherloc (09022015). Collection method: clinical testing. Allele origin: germline.
Comment: This variant results in a copy number gain of the genomic region encompassing exons 1-5 of the EGFR gene, which includes the initiator codon. The 5' end of this event is unknown as it extends beyond the assayed region for this gene and therefore may encompass additional genes. The 3' boundary is likely confined to intron 5 of the EGFR gene. As the precise location of this event is unknown, it may be in tandem or it may be located elsewhere in the genome. This variant has not been reported in the literature in individuals with EGFR-related conditions. In summary, the available evidence is currently insufficient to determine the role of this variant in disease. Therefore, it has been classified as a Variant of Uncertain Significance.